The following is an entry in ClinVar:

NM_005751.5(AKAP9):c.3319-214A>C

Gene: AKAP9 (A-kinase anchoring protein 9; plus strand). Cytogenetic location: 7q21.2.
Variant type: single nucleotide variant.
Coding change: c.3319-214A>C on transcript NM_005751.5 (MANE Select); 214 bases into the intron before coding-DNA position 3319, A replaced by C.
Molecular consequence: intron variant.
Genome position (GRCh38, 1-based): chr7:92,012,215, A>C. VCF-style: chr7-92012215-A-C. GRCh37 (hg19) VCF-style: chr7-91641529-A-C.
Other names: c.3319-214A>C (NM_147185.3).
Identifiers: ClinVar variation 675391 (VCV000675391.1), dbSNP rs11976283, ClinGen allele CA161883620.
Genomic context (GRCh38, chr7:92,012,215, plus strand): 5'-TTTAAAATCTTTTAGAACAAAAAATCAAAGATGAGTCATGCTAGCTATACCAAATATCAC[A>C]ATTTAGTATAAAACTGAGGTAATGAAAACATTGTGCTACTTTCCTTGAAAAAGAAAGGTA-3'

ClinVar aggregate classification (germline): Likely benign (1 of 4 stars; one submission).

Allele frequency attached by ClinVar (database versions not stated): TOPMed 0.00682; gnomAD 0.00714; 1000 Genomes Project 0.00799; 1000 Genomes Project 30x 0.00843.
gnomAD v4.1: 1,028 of 152,322 alleles (0.67%); highest among the groups gnomAD compares: African/African-American, 2.4%; 10 homozygotes.

Submission:

GeneDx
Classification: Likely benign. Last evaluated: 2018-06-16. Review status: criteria provided, single submitter. Criteria: GeneDx Variant Classification (06012015). Collection method: clinical testing. Allele origin: germline. Affected: yes.
Comment: This variant is considered likely benign or benign based on one or more of the following criteria: it is a conservative change, it occurs at a poorly conserved position in the protein, it is predicted to be benign by multiple in silico algorithms, and/or has population frequency not consistent with disease.